The following is an entry in ClinVar:

ClinVar aggregate classification (germline): Benign. Review status: criteria provided, multiple submitters, no conflicts (2 of 4 stars). 2 submissions from 2 submitters: Benign (2). Last evaluated 2018-01-13.

Conditions:
Autosomal dominant striatal neurodegeneration type 1. Identifiers: Orphanet 228169, MedGen C4310808, MONDO:0012205, OMIM 609161.

Allele frequency attached by ClinVar (database versions not stated): gnomAD 0.01915 and 0.02382; TOPMed 0.02351; gnomAD exomes 0.02816; 1000 Genomes Project 30x 0.04934; 1000 Genomes Project 0.05072.
gnomAD v4.1: 4,758 of 193,134 alleles (2.5%); highest among the groups gnomAD compares: South Asian, 12%; 158 homozygotes.

Submissions (2):

Illumina Laboratory Services, Illumina
Classification: Benign for Autosomal dominant striatal neurodegeneration type 1. Last evaluated: 2018-01-13. Review status: criteria provided, single submitter. Criteria: ICSL Variant Classification Criteria 13 December 2019. Collection method: clinical testing. Allele origin: germline.
Comment: This variant was observed in the ICSL laboratory as part of a predisposition screen in an ostensibly healthy population. It had not been previously curated by ICSL or reported in the Human Gene Mutation Database (HGMD: prior to June 1st, 2018), and was therefore a candidate for classification through an automated scoring system. Utilizing variant allele frequency, disease prevalence and penetrance estimates, and inheritance mode, an automated score was calculated to assess if this variant is too frequent to cause the disease. Based on the score and internal cut-off values, a variant classified as benign is not then subjected to further curation. The score for this variant resulted in a classification of benign for this disease.

Breakthrough Genomics
Classification: Benign. Review status: criteria provided, single submitter. Criteria: ACMG Guidelines, 2015. Collection method: not provided. Allele origin: germline. Inheritance: Autosomal dominant inheritance. Affected: yes.

NM_003719.5(PDE8B):c.*437A>G

Gene: PDE8B (phosphodiesterase 8B; plus strand). Cytogenetic location: 5q13.3.
Variant type: single nucleotide variant.
Coding change: c.*437A>G on transcript NM_003719.5 (MANE Select); 437 bases downstream of the stop codon, A replaced by G.
Molecular consequence: 3 prime UTR variant.
Genome position (GRCh38, 1-based): chr5:77,426,991, A>G. VCF-style: chr5-77426991-A-G. GRCh37 (hg19) VCF-style: chr5-76722816-A-G.
Other names: c.*437A>G (NM_001029851.4, NM_001029852.4, NM_001029853.4 and 19 more transcripts); c.*523A>G (NM_001349751.3, NM_001376072.1).
Identifiers: ClinVar variation 354185 (VCV000354185.6), dbSNP rs3733953, ClinGen allele CA10625143.